The following is an entry in ClinVar:

NM_001711.6(BGN):c.908A>C (p.Gln303Pro)

Gene: BGN (biglycan; plus strand). Cytogenetic location: Xq28.
Variant type: single nucleotide variant.
Coding change: c.908A>C on transcript NM_001711.6 (MANE Select); coding-DNA position 908, A replaced by C.
Protein change: p.Gln303Pro; replaces glutamine 303 with proline.
Molecular consequence: missense variant.
Genome position (GRCh38, 1-based): chrX:153,507,184, A>C. VCF-style: chrX-153507184-A-C. GRCh37 (hg19) VCF-style: chrX-152772642-A-C.
Other names: short protein forms Q303P.
Identifiers: ClinVar variation 265795 (VCV000265795.19), dbSNP rs886037824, ClinGen allele CA10588834.

ClinVar aggregate classification (germline): Uncertain significance. Review status: criteria provided, single submitter (1 of 4 stars). 3 submissions from 2 submitters: Uncertain significance (1). 2 of the submissions do not count toward it. Last evaluated 2021-03-01.

Conditions:
Familial thoracic aortic aneurysm and aortic dissection (TAAD). Also called: Thoracic aortic aneurysms and dissections. Identifiers: Orphanet 91387, MedGen C4707243, MONDO:0019625.
Meester-Loeys syndrome. Also called: X-linked severe syndromic thoracic aortic aneurysm and dissection. Identifiers: Orphanet 622925, MedGen C4310811, MONDO:0010515, OMIM 300989.

Submissions (3):

Centre of Medical Genetics, University of Antwerp
Classification: Uncertain significance for Meester-Loeys syndrome. Last evaluated: 2021-03-01. Review status: criteria provided, single submitter. Criteria: ACMG Guidelines, 2015. Collection method: research. Allele origin: unknown. Affected: yes.
Comment: PM2, PM8

OMIM
Classification: Pathogenic for MEESTER-LOEYS SYNDROME. Last evaluated: 2017-05-10. Review status: no assertion criteria provided. Collection method: literature only. Allele origin: germline. Not counted in ClinVar's aggregate classification.

Centre of Medical Genetics, University of Antwerp
Classification: Pathogenic for Syndromal thoracic aortic aneurysm/dissection. Review status: no assertion criteria provided. Collection method: research. Allele origin: maternal. Affected: yes. Not counted in ClinVar's aggregate classification.

Literature cited by the submitters: PubMed 27632686 (cited by OMIM and Centre of Medical Genetics, University of Antwerp).